The following is an entry in ClinVar:

NM_001415.4(EIF2S3):c.134-4A>G

Gene: EIF2S3 (eukaryotic translation initiation factor 2 subunit gamma; plus strand). Cytogenetic location: Xp22.11.
Variant type: single nucleotide variant.
Coding change: c.134-4A>G on transcript NM_001415.4 (MANE Select); 4 bases into the intron before coding-DNA position 134, A replaced by G.
Molecular consequence: intron variant.
Genome position (GRCh38, 1-based): chrX:24,057,417, A>G. VCF-style: chrX-24057417-A-G. GRCh37 (hg19) VCF-style: chrX-24075534-A-G.
Identifiers: ClinVar variation 512433 (VCV000512433.3), dbSNP rs1402612241, ClinGen allele CA641364366.

ClinVar aggregate classification (germline): Likely benign. Review status: criteria provided, multiple submitters, no conflicts (2 of 4 stars). 2 submissions from 2 submitters: Likely benign (2). Last evaluated 2024-01-18.

Allele frequency attached by ClinVar (database versions not stated): gnomAD exomes 0.00001; TOPMed 0.00002.

Submissions (2):

Labcorp Genetics (formerly Invitae), Labcorp
Classification: Likely benign. Last evaluated: 2024-01-18. Review status: criteria provided, single submitter. Criteria: Invitae Variant Classification Sherloc (09022015). Collection method: clinical testing. Allele origin: germline.

GeneDx
Classification: Likely benign. Last evaluated: 2017-09-27. Review status: criteria provided, single submitter. Criteria: GeneDx Variant Classification (06012015). Collection method: clinical testing. Allele origin: germline. Affected: yes.
Comment: This variant is considered likely benign or benign based on one or more of the following criteria: it is a conservative change, it occurs at a poorly conserved position in the protein, it is predicted to be benign by multiple in silico algorithms, and/or has population frequency not consistent with disease.